The following is an entry in ClinVar:

NC_000008.10:g.(?_70591593)_(70594598_?)dup

Gene: SLCO5A1 (solute carrier organic anion transporter family member 5A1; minus strand). Cytogenetic location: 8q13.3.
Variant type: Duplication.
Identifiers: ClinVar variation 2426958 (VCV002426958.4).

ClinVar aggregate classification (germline): Uncertain significance (1 of 4 stars; one submission).

Submission:

Labcorp Genetics (formerly Invitae), Labcorp
Classification: Uncertain significance. Last evaluated: 2022-02-04. Review status: criteria provided, single submitter. Criteria: Invitae Variant Classification Sherloc (09022015). Collection method: clinical testing. Allele origin: germline.
Comment: In summary, the available evidence is currently insufficient to determine the role of this variant in disease. Therefore, it has been classified as a Variant of Uncertain Significance. Experimental studies and prediction algorithms are not available or were not evaluated, and the functional significance of this variant is currently unknown. This variant has not been reported in the literature in individuals affected with SLCO5A1-related conditions. This variant results in a copy number gain of the genomic region encompassing exon(s) 7-8 of the SLCO5A1 gene. While the exact position of this variant cannot be determined from the data, sub-genic copy number gains are generally in tandem (PMID: 25640679). This variant is predicted to be in-frame, and likely preserves the integrity of the reading frame.

Literature cited by the submitters: PubMed 25640679.